The following is an entry in ClinVar:

ClinVar aggregate classification (germline): Conflicting classifications of pathogenicity. Review status: criteria provided, conflicting classifications (1 of 4 stars). 5 submissions from 5 submitters: Uncertain significance (2); Likely benign (3). Last evaluated 2025-12-11.

Conditions:
Inborn genetic diseases. Identifiers: MedGen C0950123, MeSH D030342.
Cyclical neutropenia. Also called: Cyclic Neutropenia; Cyclic hematopoiesis. Identifiers: Orphanet 2686, MedGen C0221023, MONDO:0008090, OMIM 162800, HP:0040289. Disease mechanism: loss of function.
Neutropenia, severe congenital, 1, autosomal dominant. Identifiers: MedGen C1859966, MONDO:0042490, OMIM 202700.

Allele frequency attached by ClinVar (database versions not stated): gnomAD 0.00003 and 0.00004; TOPMed 0.00003; gnomAD exomes 0.00005 and 0.00010; ESP Exome Variant Server 0.00008; ExAC 0.00009.

Submissions (5):

Labcorp Genetics (formerly Invitae), Labcorp
Classification: Likely benign for Neutropenia, severe congenital, 1, autosomal dominant; Cyclical neutropenia. Last evaluated: 2025-12-11. Review status: criteria provided, single submitter. Criteria: Invitae Variant Classification Sherloc (09022015). Collection method: clinical testing. Allele origin: germline.

Ambry Genetics
Classification: Likely benign for Inborn genetic diseases. Last evaluated: 2024-11-22. Review status: criteria provided, single submitter. Criteria: Ambry Variant Classification Scheme 2023. Collection method: clinical testing. Allele origin: germline.

Blueprint Genetics
Classification: Likely benign. Last evaluated: 2024-11-21. Review status: criteria provided, single submitter. Criteria: ACMG Guidelines, 2015. Collection method: clinical testing. Allele origin: germline.

GeneDx
Classification: Uncertain significance. Last evaluated: 2017-01-17. Review status: criteria provided, single submitter. Criteria: GeneDx Variant Classification (06012015). Collection method: clinical testing. Allele origin: germline. Affected: yes.
Comment: A variant of uncertain significance has been identified in the ELANE gene. The c.456 G>A (L152L) variant has been published previously in an individual with cyclic neutropenia (Germeshausen et al., 2013). The variant was not observed at any significant frequency in approximately 6,500 individuals of European and African American ancestry in the NHLBI Exome Sequencing Project, indicating it is not a common benign variant in these populations. Additionally, this substitution occurs at a position that is conserved in mammals. However, the variant does not result in a change to the protein, and in silico analysis predicts this variant likely does not alter splicing. Therefore, based on the currently available information, it is unclear whether this variant is a pathogenic variant or a rare benign variant.

Genetic Services Laboratory, University of Chicago
Classification: Uncertain significance. Last evaluated: 2016-09-26. Review status: criteria provided, single submitter. Criteria: ACMG Guidelines, 2015. Collection method: clinical testing. Allele origin: germline. Affected: no.

NM_001972.4(ELANE):c.456G>A (p.Leu152=)

Gene: ELANE (elastase, neutrophil expressed; plus strand). Cytogenetic location: 19p13.3.
Variant type: single nucleotide variant.
Coding change: c.456G>A on transcript NM_001972.4 (MANE Select); coding-DNA position 456, G replaced by A.
Protein change: p.Leu152=; no amino-acid change (leucine 152 retained).
Molecular consequence: synonymous variant.
Genome position (GRCh38, 1-based): chr19:855,653, G>A. VCF-style: chr19-855653-G-A. GRCh37 (hg19) VCF-style: chr19-855653-G-A.
Other names: c.456G>A (LRG_57t1).
Identifiers: ClinVar variation 418180 (VCV000418180.19), dbSNP rs200599820, ClinGen allele CA9026067.
Genomic context (GRCh38, chr19:855,653, plus strand): 5'-CGTGCAGGTGGCCCAGCTGCCGGCTCAGGGACGCCGCCTGGGCAACGGGGTGCAGTGCCT[G>A]GCCATGGGCTGGGGCCTTCTGGGCAGGAACCGTGGGATCGCCAGCGTCCTGCAGGAGCTC-3'
Protein context (NP_001963.1, residues 142-162): GRRLGNGVQC[Leu152=]AMGWGLLGRN